The following is an entry in ClinVar:

NM_007255.3(B4GALT7):c.50+1G>A

Genes: B4GALT7 (beta-1,4-galactosyltransferase 7; plus strand), LOC129995400 (ATAC-STARR-seq lymphoblastoid silent region 16704; plus strand). Cytogenetic location: 5q35.3.
Variant type: single nucleotide variant.
Coding change: c.50+1G>A on transcript NM_007255.3 (MANE Select); the canonical splice donor site of the intron after coding-DNA position 50, G replaced by A.
Molecular consequence: splice donor variant.
Genome position (GRCh38, 1-based): chr5:177,600,261, G>A. VCF-style: chr5-177600261-G-A. GRCh37 (hg19) VCF-style: chr5-177027262-G-A.
Identifiers: ClinVar variation 2179225 (VCV002179225.4), dbSNP rs2532517390, ClinGen allele CA362371625.

ClinVar aggregate classification (germline): Likely pathogenic (1 of 4 stars; one submission).

Conditions:
Spondylodysplastic Ehlers-Danlos syndrome. Identifiers: Orphanet 536471, Orphanet 75496, MedGen C5680154, MONDO:0007526.

gnomAD v4.1: 1 of 1,351,572 alleles (0.000074%); highest among the groups gnomAD compares: Non-Finnish European, 0.000096%; no homozygotes.

Submission:

Labcorp Genetics (formerly Invitae), Labcorp
Classification: Likely pathogenic for Spondylodysplastic Ehlers-Danlos syndrome. Last evaluated: 2025-09-04. Review status: criteria provided, single submitter. Criteria: Invitae Variant Classification Sherloc (09022015). Collection method: clinical testing. Allele origin: germline.
Comment: This sequence change affects a donor splice site in intron 1 of the B4GALT7 gene. It is expected to disrupt RNA splicing. Variants that disrupt the donor or acceptor splice site typically lead to a loss of protein function (PMID: 16199547), and loss-of-function variants in B4GALT7 are known to be pathogenic (PMID: 26940150, 31614862, 38431799). This variant is not present in population databases (gnomAD no frequency). This variant has not been reported in the literature in individuals affected with B4GALT7-related conditions. ClinVar contains an entry for this variant (Variation ID: 2179225). Algorithms developed to predict the effect of sequence changes on RNA splicing suggest that this variant may disrupt the consensus splice site. In summary, the currently available evidence indicates that the variant is pathogenic, but additional data are needed to prove that conclusively. Therefore, this variant has been classified as Likely Pathogenic.

Literature cited by the submitters: PubMed 16199547; PubMed 26940150; PubMed 31614862; PubMed 38431799.